The following is an entry in ClinVar:

ClinVar aggregate classification (germline): Likely pathogenic (1 of 4 stars; one submission).

Allele frequency attached by ClinVar (database versions not stated): gnomAD exomes below 0.00001; gnomAD 0.00001.
gnomAD v4.1: 2 of 1,575,862 alleles (0.00013%); highest among the groups gnomAD compares: African/African-American, 0.0013%; no homozygotes.

Submission:

Labcorp Genetics (formerly Invitae), Labcorp
Classification: Likely pathogenic. Last evaluated: 2024-07-08. Review status: criteria provided, single submitter. Criteria: Invitae Variant Classification Sherloc (09022015). Collection method: clinical testing. Allele origin: germline.
Comment: This sequence change affects an acceptor splice site in intron 2 of the EPHB4 gene. It is expected to disrupt RNA splicing. Variants that disrupt the donor or acceptor splice site typically lead to a loss of protein function (PMID: 16199547), and loss-of-function variants in EPHB4 are known to be pathogenic (PMID: 28687708). This variant is not present in population databases (gnomAD no frequency). This variant has not been reported in the literature in individuals affected with EPHB4-related conditions. Algorithms developed to predict the effect of sequence changes on RNA splicing suggest that this variant may disrupt the consensus splice site. In summary, the currently available evidence indicates that the variant is pathogenic, but additional data are needed to prove that conclusively. Therefore, this variant has been classified as Likely Pathogenic.

Literature cited by the submitters: PubMed 16199547; PubMed 28687708.

NM_004444.5(EPHB4):c.124-2A>G

Gene: EPHB4 (EPH receptor B4; minus strand). Cytogenetic location: 7q22.1.
Variant type: single nucleotide variant.
Coding change: c.124-2A>G on transcript NM_004444.5 (MANE Select); the canonical splice acceptor site of the intron before coding-DNA position 124, A replaced by G.
Molecular consequence: splice acceptor variant.
Genome position (GRCh38, 1-based): chr7:100,823,933, T>C on the plus strand (A>G on the coding strand, the complement: EPHB4 is on the minus strand). VCF-style: chr7-100823933-T-C. GRCh37 (hg19) VCF-style: chr7-100421555-T-C.
Identifiers: ClinVar variation 3012568 (VCV003012568.3), dbSNP rs1813307862, ClinGen allele CA368584820.